The following is an entry in ClinVar:

ClinVar aggregate classification (germline): Benign/Likely benign. Review status: criteria provided, multiple submitters, no conflicts (2 of 4 stars). 9 submissions from 9 submitters: Benign (1); Likely benign (6). 2 of the submissions do not count toward it. Last evaluated 2026-07-01.

Conditions:
CACNA1F-related disorder. Also called: CACNA1F-related condition.
X-linked cone-rod dystrophy 3 (CORDX3). Identifiers: Orphanet 1872, MedGen C1845407, MONDO:0010335, OMIM 300476.
Aland island eye disease (AIED). Also called: Forsius Eriksson type ocular albinism. Identifiers: Orphanet 178333, MedGen C0268505, MONDO:0010371, OMIM 300600.
Congenital stationary night blindness 2A (CSNB2A). Also called: CACNA1F-Related X-Linked Congenital Stationary Night Blindness; NIGHT BLINDNESS, CONGENITAL STATIONARY, TYPE 2; Night blindness, congenital stationary (incomplete), 2A, X-linked; CSNB, INCOMPLETE, X-LINKED. Identifiers: Orphanet 215, MedGen C1848172, MONDO:0010241, OMIM 300071.
Cone-rod dystrophy. Also called: Cone-rod degeneration; Cone/cone-rod dystrophy. Identifiers: Orphanet 1872, MedGen C4085590, MONDO:0015993, HP:0000548.

Allele frequency attached by ClinVar (database versions not stated): gnomAD exomes 0.00150; ExAC 0.00170; gnomAD 0.00176 and 0.00180; TOPMed 0.00183; 1000 Genomes Project 30x 0.00208; ESP Exome Variant Server 0.00227; 1000 Genomes Project 0.00238.
gnomAD v4.1: 3,078 of 1,209,656 alleles (0.25%); highest among the groups gnomAD compares: Non-Finnish European, 0.31%; 6 homozygotes.

Submissions (9):

CeGaT Center for Human Genetics Tuebingen
Classification: Likely benign. Last evaluated: 2026-07-01. Review status: criteria provided, single submitter. Criteria: CeGaT Center For Human Genetics Tuebingen Variant Classification Criteria Version 2. Collection method: clinical testing. Allele origin: germline. Affected: yes. Observed: 11 variant alleles.
Comment: CACNA1F: PP3, BS2

Labcorp Genetics (formerly Invitae), Labcorp
Classification: Likely benign. Last evaluated: 2025-12-25. Review status: criteria provided, single submitter. Criteria: Invitae Variant Classification Sherloc (09022015). Collection method: clinical testing. Allele origin: germline.

Blueprint Genetics
Classification: Benign. Last evaluated: 2024-11-28. Review status: criteria provided, single submitter. Criteria: ACMG Guidelines, 2015. Collection method: clinical testing. Allele origin: germline.

Fulgent Genetics
Classification: Likely benign for Congenital stationary night blindness 2A; X-linked cone-rod dystrophy 3; Aland island eye disease. Last evaluated: 2022-02-22. Review status: criteria provided, single submitter. Criteria: ACMG Guidelines, 2015. Collection method: clinical testing. Allele origin: unknown.

Mendelics
Classification: Likely benign for Congenital stationary night blindness 2A. Last evaluated: 2019-05-28. Review status: criteria provided, single submitter. Criteria: Mendelics Assertion Criteria 2017. Collection method: clinical testing. Allele origin: unknown.

Eurofins Ntd Llc (ga)
Classification: Likely benign. Last evaluated: 2015-10-01. Review status: criteria provided, single submitter. Criteria: EGL Classification Definitions 2015. Collection method: clinical testing. Allele origin: germline. Observed: 1 variant allele, 1 heterozygote.

Breakthrough Genomics
Classification: Likely benign. Review status: criteria provided, single submitter. Criteria: ACMG Guidelines, 2015. Collection method: not provided. Allele origin: germline. Inheritance: X-linked inheritance. Affected: yes.

PreventionGenetics, part of Exact Sciences
Classification: Likely benign for CACNA1F-related condition. Last evaluated: 2020-04-30. Review status: no assertion criteria provided. Collection method: clinical testing. Allele origin: germline. Not counted in ClinVar's aggregate classification.
Comment: This variant is classified as likely benign based on ACMG/AMP sequence variant interpretation guidelines (Richards et al. 2015 PMID: 25741868, with internal and published modifications).

Department of Clinical Genetics, Copenhagen University Hospital, Rigshospitalet
Classification: Uncertain significance for Cone-rod dystrophy. Last evaluated: 2018-04-01. Review status: no assertion criteria provided. Collection method: research. Allele origin: unknown. Affected: yes. Study: VeluxRD. Not counted in ClinVar's aggregate classification.

Literature cited by the submitters: PubMed 30718709 (cited by Department of Clinical Genetics, Copenhagen University Hospital, Rigshospitalet).

NM_001256789.3(CACNA1F):c.2204A>C (p.Asn735Thr)

Gene: CACNA1F (calcium voltage-gated channel subunit alpha1 F; minus strand). Cytogenetic location: Xp11.23.
Variant type: single nucleotide variant.
Coding change: c.2204A>C on transcript NM_001256789.3 (MANE Select); coding-DNA position 2204, A replaced by C.
Protein change: p.Asn735Thr; replaces asparagine 735 with threonine.
Molecular consequence: missense variant.
Genome position (GRCh38, 1-based): chrX:49,222,720, T>G on the plus strand (A>C on the coding strand, the complement: CACNA1F is on the minus strand). VCF-style: chrX-49222720-T-G. GRCh37 (hg19) VCF-style: chrX-49079179-T-G.
Other names: c.2042A>C, p.Asn681Thr (NM_001256790.3); c.2237A>C, p.Asn746Thr (NM_005183.4); short protein forms N746T, N735T, N681T.
Identifiers: ClinVar variation 283388 (VCV000283388.51), dbSNP rs141159097, ClinGen allele CA10410736.